The following is an entry in ClinVar:

NM_003919.3(SGCE):c.516A>C (p.Glu172Asp)

Genes: CASD1 (CAS1 domain sialic acid O acetyltransferase 1; plus strand), SGCE (sarcoglycan epsilon; minus strand). Cytogenetic location: 7q21.3.
Variant type: single nucleotide variant.
Coding change: c.516A>C on transcript NM_003919.3 (MANE Select); coding-DNA position 516, A replaced by C.
Protein change: p.Glu172Asp; replaces glutamic acid 172 with aspartic acid.
Molecular consequence: missense variant.
Genome position (GRCh38, 1-based): chr7:94,618,904, T>G on the plus strand (A>C on the coding strand, the complement: SGCE is on the minus strand). VCF-style: chr7-94618904-T-G. GRCh37 (hg19) VCF-style: chr7-94248216-T-G.
Other names: c.243A>C, p.Glu81Asp (NM_001346720.2, NM_001362808.2); c.429A>C, p.Glu143Asp (NM_001362807.2, NM_001346719.2); c.393A>C, p.Glu131Asp (NM_001362809.2, NM_001301139.2); c.516A>C, p.Glu172Asp (NM_001099400.2, NM_001099401.2, NM_001346717.2); c.624A>C, p.Glu208Asp (NM_001346713.2, NM_001346715.2); short protein forms E143D, E172D, E208D, E81D, E131D.
Identifiers: ClinVar variation 3659824 (VCV003659824.2).

ClinVar aggregate classification (germline): Uncertain significance (1 of 4 stars; one submission).

Conditions:
Myoclonic dystonia 11 (DYT11). Also called: Myoclonic dystonia; Dystonia 11; Dystonia, alcohol responsive; Hereditary essential myoclonus; SGCE Myoclonus-Dystonia; Myoclonus-Dystonia. Identifiers: Orphanet 36899, MedGen C1834570, MONDO:0008044, OMIM 159900.

gnomAD v4.1: 2 of 1,614,054 alleles (0.00012%); highest among the groups gnomAD compares: Non-Finnish European, 0.00017%; no homozygotes.

Submission:

Labcorp Genetics (formerly Invitae), Labcorp
Classification: Uncertain significance for Myoclonic dystonia 11. Last evaluated: 2024-07-18. Review status: criteria provided, single submitter. Criteria: Invitae Variant Classification Sherloc (09022015). Collection method: clinical testing. Allele origin: germline.
Comment: This sequence change replaces glutamic acid, which is acidic and polar, with aspartic acid, which is acidic and polar, at codon 172 of the SGCE protein (p.Glu172Asp). This variant is not present in population databases (gnomAD no frequency). This variant has not been reported in the literature in individuals affected with SGCE-related conditions. Advanced modeling of protein sequence and biophysical properties (such as structural, functional, and spatial information, amino acid conservation, physicochemical variation, residue mobility, and thermodynamic stability) performed at Invitae indicates that this missense variant is not expected to disrupt SGCE protein function with a negative predictive value of 80%. In summary, the available evidence is currently insufficient to determine the role of this variant in disease. Therefore, it has been classified as a Variant of Uncertain Significance.